The following is an entry in ClinVar:

ClinVar aggregate classification (germline): Pathogenic (1 of 4 stars; one submission).

Conditions:
Bainbridge-Ropers syndrome. Also called: Severe feeding difficulties-failure to thrive-microcephaly due to ASXL3 deficiency syndrome. Identifiers: Orphanet 352577, MedGen C4750837, MONDO:0014205, OMIM 615485.

Submission:

Institute of Human Genetics, University of Leipzig Medical Center
Classification: Pathogenic for Bainbridge-Ropers syndrome. Last evaluated: 2024-04-15. Review status: criteria provided, single submitter. Criteria: ACMG Guidelines, 2015. Collection method: clinical testing. Allele origin: de novo. Inheritance: Autosomal dominant inheritance. Affected: yes.
Comment: Criteria applied: PVS1,PM2,PS2_MOD

NM_030632.3(ASXL3):c.4365_4389del (p.Pro1456_Pro1457insTer)

Gene: ASXL3 (ASXL transcriptional regulator 3; plus strand). Cytogenetic location: 18q12.1.
Variant type: Deletion.
Coding change: c.4365_4389del on transcript NM_030632.3 (MANE Select); coding-DNA positions 4365 to 4389, 25 bases deleted (ACCACCAGGGGGCTTTGCACCAGCA).
Protein change: p.Pro1456_Pro1457insTer.
Molecular consequence: frameshift variant.
Genome position (GRCh38, 1-based): chr18:33,744,213-33,744,237, ACCACCAGGGGGCTTTGCACCAGCA deleted; deleting any 25 consecutive bases within chr18:33,744,208-33,744,237 gives the same sequence; the c. name uses the placement nearest the transcript's 3' end. VCF-style (leftmost placement, unchanged base first): chr18-33744207-TCAGCAACCACCAGGGGGCTTTGCAC-T. GRCh37 (hg19) VCF-style: chr18-31324171-TCAGCAACCACCAGGGGGCTTTGCAC-T.
Identifiers: ClinVar variation 3358968 (VCV003358968.2).